The following is an entry in ClinVar:

NM_000069.3(CACNA1S):c.5260A>G (p.Arg1754Gly)

Gene: CACNA1S (calcium voltage-gated channel subunit alpha1 S; minus strand). Cytogenetic location: 1q32.1.
Variant type: single nucleotide variant.
Coding change: c.5260A>G on transcript NM_000069.3 (MANE Select); coding-DNA position 5260, A replaced by G.
Protein change: p.Arg1754Gly; replaces arginine 1754 with glycine.
Molecular consequence: missense variant.
Genome position (GRCh38, 1-based): chr1:201,040,341, T>C on the plus strand (A>G on the coding strand, the complement: CACNA1S is on the minus strand). VCF-style: chr1-201040341-T-C. GRCh37 (hg19) VCF-style: chr1-201009469-T-C.
Other names: short protein forms R1754G.
Identifiers: ClinVar variation 3386272 (VCV003386272.1).

ClinVar aggregate classification (germline): Uncertain significance (1 of 4 stars; one submission).

Conditions:
Malignant hyperthermia, susceptibility to, 5 (MHS5). Also called: CACNA1S-Related Malignant Hyperthermia Susceptibility. Identifiers: Orphanet 423, MedGen C1866077, MONDO:0011163, OMIM 601887.

gnomAD v4.1: 1 of 1,613,828 alleles (0.000062%); highest among the groups gnomAD compares: Non-Finnish European, 0.000085%; no homozygotes.

Submission:

All of Us Research Program, National Institutes of Health
Classification: Uncertain significance for Malignant hyperthermia, susceptibility to, 5. Last evaluated: 2024-03-05. Review status: criteria provided, single submitter. Criteria: ACMG Guidelines, 2015. Collection method: clinical testing. Allele origin: germline. Inheritance: Autosomal dominant inheritance. Observed: 1 variant allele, 1 heterozygote.
Comment: This study involves interpretation of variants in research participants for the purpose of population health screening. Participant phenotype was not available at the time of variant classification. Additional details can be found in publication PMID: 35346344, PMCID: PMC8962531